The following is an entry in ClinVar:

NM_001447.3(FAT2):c.9063T>C (p.His3021=)

Genes: FAT2 (FAT atypical cadherin 2; minus strand), SLC36A1 (solute carrier family 36 member 1; plus strand). Cytogenetic location: 5q33.1.
Variant type: single nucleotide variant.
Coding change: c.9063T>C on transcript NM_001447.3 (MANE Select); coding-DNA position 9063, T replaced by C.
Protein change: p.His3021=; no amino-acid change (histidine 3021 retained).
Molecular consequence: synonymous variant.
Genome position (GRCh38, 1-based): chr5:151,537,923, A>G on the plus strand (T>C on the coding strand, the complement: FAT2 is on the minus strand). VCF-style: chr5-151537923-A-G. GRCh37 (hg19) VCF-style: chr5-150917484-A-G.
Other names: c.9063T>C (NM_001447.2).
Identifiers: ClinVar variation 2038945 (VCV002038945.29), dbSNP rs6898578, ClinGen allele CA3520664.

ClinVar aggregate classification (germline): Benign. Review status: criteria provided, multiple submitters, no conflicts (2 of 4 stars). 3 submissions from 3 submitters: Benign (2). 1 of the submissions does not count toward it. Last evaluated 2026-01-05.

Conditions:
FAT2-related disorder. Also called: FAT2-related condition.

Allele frequency attached by ClinVar (database versions not stated): ExAC 0.00132; gnomAD 0.00398; TOPMed 0.00435; ESP Exome Variant Server 0.00446; 1000 Genomes Project 0.00559; 1000 Genomes Project 30x 0.00593.
gnomAD v4.1: 1,133 of 1,614,208 alleles (0.07%); highest among the groups gnomAD compares: African/African-American, 1.4%; 9 homozygotes.

Submissions (3):

Labcorp Genetics (formerly Invitae), Labcorp
Classification: Benign. Last evaluated: 2026-01-05. Review status: criteria provided, single submitter. Criteria: Invitae Variant Classification Sherloc (09022015). Collection method: clinical testing. Allele origin: germline.

CeGaT Center for Human Genetics Tuebingen
Classification: Benign. Last evaluated: 2024-01-01. Review status: criteria provided, single submitter. Criteria: CeGaT Center For Human Genetics Tuebingen Variant Classification Criteria Version 2. Collection method: clinical testing. Allele origin: germline. Affected: yes. Observed: 2 variant alleles.
Comment: FAT2: BP4, BP7, BS1, BS2

PreventionGenetics, part of Exact Sciences
Classification: Benign for FAT2-related condition. Last evaluated: 2019-08-13. Review status: no assertion criteria provided. Collection method: clinical testing. Allele origin: germline. Not counted in ClinVar's aggregate classification.
Comment: This variant is classified as benign based on ACMG/AMP sequence variant interpretation guidelines (Richards et al. 2015 PMID: 25741868, with internal and published modifications).